The following is an entry in ClinVar:

ClinVar aggregate classification (germline): Conflicting classifications of pathogenicity. Review status: criteria provided, conflicting classifications (1 of 4 stars). 6 submissions from 6 submitters: Uncertain significance (1); Likely benign (4). 1 of the submissions does not count toward it. Last evaluated 2025-07-15.

Conditions:
Hereditary cancer-predisposing syndrome. Also called: Tumor predisposition; Neoplastic Syndromes, Hereditary; Hereditary Cancer Syndrome; Hereditary neoplastic syndrome. Identifiers: Orphanet 140162, MedGen C0027672, MeSH D009386, MONDO:0015356.
Hereditary breast ovarian cancer syndrome. Also called: Hereditary breast and ovarian cancer syndrome (HBOC); Hereditary breast and ovarian cancer syndrome; Hereditary breast and ovarian cancer; Hereditary breast and/or ovarian cancer syndrome; Breast and ovarian cancer; BRCA1- and BRCA2-Associated Hereditary Breast and Ovarian Cancer. Identifiers: Orphanet 145, MedGen C0677776, MeSH D061325, MONDO:0003582. Disease mechanism: loss of function.
Breast-ovarian cancer, familial, susceptibility to, 1 (BROVCA1). Also called: OVARIAN CANCER, SUSCEPTIBILITY TO; BRCA1 Hereditary Breast and Ovarian Cancer. Identifiers: Orphanet 145, MedGen C2676676, MONDO:0011450, OMIM 604370. Disease mechanism: loss of function.

Allele frequency attached by ClinVar (database versions not stated): gnomAD 0.00001; TOPMed 0.00001.
gnomAD v4.1: 1 of 1,613,808 alleles (0.000062%); highest among the groups gnomAD compares: African/African-American, 0.0013%; no homozygotes.

Submissions (7):

Color Diagnostics, LLC DBA Color Health
Classification: Uncertain significance for Hereditary cancer-predisposing syndrome. Last evaluated: 2025-07-15. Review status: criteria provided, single submitter. Criteria: ACMG Guidelines, 2015. Collection method: clinical testing. Allele origin: germline.
Comment: This missense variant replaces isoleucine with methionine at codon 89 of the BRCA1 protein. Computational prediction is inconclusive regarding the impact of this variant on protein structure and function. Functional studies have reported that this variant does not impact BRCA1 in a homology-directed DNA repair assay, in a haploid cell proliferation assay and in BARD1 binding and ubiquitin E3 ligase assays (PMID: 25823446, 30209399, 35659930). This variant has been detected in a breast cancer case-control meta-analysis in 1/60466 cases and 1/53461 unaffected individuals (PMID: 33471991Leiden Open Variation Database DB-ID BRCA1_006583). Multifactorial analysis has reached a combined likelihood ratio (LR) of 1.077 based on reported LR for co-occurrence with a pathogenic variant and family history (PMID: 31131967). This variant has been identified in 1/31394 chromosomes in the general population by the Genome Aggregation Database (gnomAD), and this variant has been detected in 1 individual older than age 70 years who has never had cancer (FLOSSIES database). Although there is a suspicion that this variant may not be associated with disease, additional clinical studies are necessary to determine the role of this variant in disease conclusively. Therefore, this variant is classified as a Variant of Uncertain Significance.

Center for Genomic Medicine, Rigshospitalet, Copenhagen University Hospital
Classification: Likely benign. Last evaluated: 2025-03-04. Review status: criteria provided, single submitter. Criteria: ACMG Guidelines, 2015. Collection method: clinical testing. Allele origin: germline.

Women's Health and Genetics/Laboratory Corporation of America, LabCorp
Classification: Likely benign. Last evaluated: 2024-08-30. Review status: criteria provided, single submitter. Criteria: LabCorp Variant Classification Summary - May 2015. Collection method: clinical testing. Allele origin: germline.
Comment: Variant summary: BRCA1 c.267C>G (p.Ile89Met) results in a conservative amino acid change in the encoded protein sequence. Three of five in-silico tools predict a benign effect of the variant on protein function. The variant was absent in 251234 control chromosomes. The available data on variant occurrences in the general population are insufficient to allow any conclusion about variant significance. To our knowledge, no occurrence of c.267C>G in individuals affected with Hereditary Breast And Ovarian Cancer Syndrome has been reported. At least one publication reports experimental evidence evaluating an impact on protein function. These results showed no damaging effect of this variant. The following publication have been ascertained in the context of this evaluation (PMID: 30209399). ClinVar contains an entry for this variant (Variation ID: 54642). Based on the evidence outlined above, the variant was classified as likely benign.

Labcorp Genetics (formerly Invitae), Labcorp
Classification: Likely benign for Hereditary breast ovarian cancer syndrome. Last evaluated: 2024-02-27. Review status: criteria provided, single submitter. Criteria: Invitae Variant Classification Sherloc (09022015). Collection method: clinical testing. Allele origin: germline.

Ambry Genetics
Classification: Likely benign for Hereditary cancer-predisposing syndrome. Last evaluated: 2019-04-15. Review status: criteria provided, single submitter. Criteria: Ambry Variant Classification Scheme 2023. Collection method: clinical testing. Allele origin: germline.

Breast Cancer Information Core (BIC) (BRCA1)
Classification: Uncertain significance for Breast-ovarian cancer, familial 1. Last evaluated: 2004-11-25. Review status: no assertion criteria provided. Collection method: clinical testing. Allele origin: germline. Affected: yes. Observed: 1 variant allele. Not counted in ClinVar's aggregate classification.

Brotman Baty Institute, University of Washington
No classification provided (evidence only). Condition: Breast-ovarian cancer, familial 1. Review status: no classification provided. Collection method: in vitro. Allele origin: not applicable. Functional consequence: functionally_normal. Not counted in ClinVar's aggregate classification.
ClinVar note: "not provided" was previously submitted as the classification for the variant. However, the classification appeared to be based only on an observation of functional data so it was converted to no classification on 2025-07-30.

Literature cited by the submitters: PubMed 25823446 (cited by Color Diagnostics, LLC DBA Color Health); PubMed 30209399 (cited by Color Diagnostics, LLC DBA Color Health and Women's Health and Genetics/Laboratory Corporation of America, LabCorp); PubMed 31131967 (cited by Color Diagnostics, LLC DBA Color Health); PubMed 33471991 (cited by Color Diagnostics, LLC DBA Color Health); PubMed 35659930 (cited by Color Diagnostics, LLC DBA Color Health).

NM_007294.4(BRCA1):c.267C>G (p.Ile89Met)

Gene: BRCA1 (BRCA1 DNA repair associated; minus strand). Cytogenetic location: 17q21.31.
Variant type: single nucleotide variant.
Coding change: c.267C>G on transcript NM_007294.4 (MANE Select); coding-DNA position 267, C replaced by G.
Protein change: p.Ile89Met; replaces isoleucine 89 with methionine.
Molecular consequence: missense variant. On other transcripts: non-coding transcript variant (1).
Genome position (GRCh38, 1-based): chr17:43,104,902, G>C on the plus strand (C>G on the coding strand, the complement: BRCA1 is on the minus strand). VCF-style: chr17-43104902-G-C. GRCh37 (hg19) VCF-style: chr17-41256919-G-C.
Other names: c.57C>G, p.Ile19Met (NM_001407571.1, NM_001407853.1, NM_001407879.1 and 58 more transcripts); c.267C>G, p.Ile89Met (NM_001407581.1, NM_001407582.1, NM_001407583.1 and 168 more transcripts); c.189C>G, p.Ile63Met (NM_001407653.1, NM_001407654.1, NM_001407655.1 and 21 more transcripts); c.126C>G, p.Ile42Met (NM_001407692.1, NM_001407694.1, NM_001407695.1 and 99 more transcripts); c.-115C>G (NM_001407959.1, NM_001407960.1, NM_001407962.1 and 4 more transcripts); c.135C>G, p.Ile45Met (NM_001408451.1); short protein forms I89M, I42M, I45M, I63M, I19M.
Identifiers: ClinVar variation 54642 (VCV000054642.21), dbSNP rs80356963, ClinGen allele CA001760.